The following is an entry in ClinVar:

NM_000018.4(ACADVL):c.655C>T (p.Pro219Ser)

Gene: ACADVL (acyl-CoA dehydrogenase very long chain; plus strand). Cytogenetic location: 17p13.1.
Variant type: single nucleotide variant.
Coding change: c.655C>T on transcript NM_000018.4 (MANE Select); coding-DNA position 655, C replaced by T.
Protein change: p.Pro219Ser; replaces proline 219 with serine.
Molecular consequence: missense variant.
Genome position (GRCh38, 1-based): chr17:7,221,984, C>T. VCF-style: chr17-7221984-C-T. GRCh37 (hg19) VCF-style: chr17-7125303-C-T.
Other names: c.589C>T, p.Pro197Ser (NM_001033859.3); c.724C>T, p.Pro242Ser (NM_001270447.2); c.427C>T, p.Pro143Ser (NM_001270448.2); short protein forms P143S, P219S, P197S, P242S.
Identifiers: ClinVar variation 2759049 (VCV002759049.3), dbSNP rs772898391, ClinGen allele CA397723402.
Genomic context (GRCh38, chr17:7,221,984, plus strand): 5'-TGGGGTAAAGTAGCTCTCTCCCCAACAGGGGAGACTGTGGCCGCTTTCTGTCTAACCGAG[C>T]CCTCAAGCGGGTCAGATGCAGCCTCCATCCGAACCTCTGCTGTGCCCAGCCCCTGTGGAA-3'
Protein context (NP_000009.1, residues 209-229): ETVAAFCLTE[Pro219Ser]SSGSDAASIR

ClinVar aggregate classification (germline): Likely pathogenic (1 of 4 stars; one submission).

Conditions:
Very long chain acyl-CoA dehydrogenase deficiency (ACADVLD). Also called: VLCAD Deficiency; Very Long-Chain Acyl-Coenzyme A Dehydrogenase Deficiency. Identifiers: Orphanet 26793, MedGen C3887523, MONDO:0008723, OMIM 201475.

Submission:

Labcorp Genetics (formerly Invitae), Labcorp
Classification: Likely pathogenic for Very long chain acyl-CoA dehydrogenase deficiency. Last evaluated: 2023-09-08. Review status: criteria provided, single submitter. Criteria: Invitae Variant Classification Sherloc (09022015). Collection method: clinical testing. Allele origin: germline.
Comment: In summary, the currently available evidence indicates that the variant is pathogenic, but additional data are needed to prove that conclusively. Therefore, this variant has been classified as Likely Pathogenic. This variant disrupts the p.Pro219 amino acid residue in ACADVL. Other variant(s) that disrupt this residue have been determined to be pathogenic (Invitae). This suggests that this residue is clinically significant, and that variants that disrupt this residue are likely to be disease-causing. Advanced modeling of protein sequence and biophysical properties (such as structural, functional, and spatial information, amino acid conservation, physicochemical variation, residue mobility, and thermodynamic stability) performed at Invitae indicates that this missense variant is expected to disrupt ACADVL protein function. This variant has not been reported in the literature in individuals affected with ACADVL-related conditions. This variant is not present in population databases (gnomAD no frequency). This sequence change replaces proline, which is neutral and non-polar, with serine, which is neutral and polar, at codon 219 of the ACADVL protein (p.Pro219Ser).